The following is an entry in ClinVar:

Multiple alleles

Variant type: Phase unknown.
Identifiers: ClinVar variation 4682300 (VCV004682300.1).

ClinVar aggregate classification (germline): Uncertain significance (1 of 4 stars; one submission).

Submission:

Athena Diagnostics
Classification: Uncertain significance. Last evaluated: 2025-05-07. Review status: criteria provided, single submitter. Criteria: Athena Diagnostics Criteria. Collection method: clinical testing. Allele origin: unknown.
Comment: Available data are insufficient to determine the clinical significance of the variant at this time. This complex variant comprises two single nucleotide variants: c.1685G>C and c.1686C>T. Whether the two variants occur on the same chromosome (in cis) or on different chromosomes (in trans) they result in the same amino acid change (p.Cys562Ser). Neither of the single nucleotide changes composing this variant have been reported in large, multi-ethnic general populations. Polyphen and MutationTaster predict this amino acid change may be damaging to the protein.